The following is an entry in ClinVar:

NM_001127222.2(CACNA1A):c.6613C>G (p.Arg2205Gly)

Gene: CACNA1A (calcium voltage-gated channel subunit alpha1 A; minus strand). Cytogenetic location: 19p13.13.
Variant type: single nucleotide variant.
Coding change: c.6613C>G on transcript NM_001127222.2 (MANE Select); coding-DNA position 6613, C replaced by G.
Protein change: p.Arg2205Gly; replaces arginine 2205 with glycine.
Molecular consequence: missense variant.
Genome position (GRCh38, 1-based): chr19:13,208,923, G>C on the plus strand (C>G on the coding strand, the complement: CACNA1A is on the minus strand). VCF-style: chr19-13208923-G-C. GRCh37 (hg19) VCF-style: chr19-13319737-G-C.
Other names: c.6631C>G, p.Arg2211Gly (NM_000068.4, NM_023035.3); c.6616C>G, p.Arg2206Gly (NM_001127221.2); c.6622C>G, p.Arg2208Gly (NM_001174080.2); short protein forms R2205G, R2206G, R2208G, R2211G.
Identifiers: ClinVar variation 841519 (VCV000841519.13), dbSNP rs780467849, ClinGen allele CA9239322.

ClinVar aggregate classification (germline): Conflicting classifications of pathogenicity. Review status: criteria provided, conflicting classifications (1 of 4 stars). 3 submissions from 3 submitters: Uncertain significance (2); Likely benign (1). Last evaluated 2025-12-22.

Conditions:
Episodic ataxia type 2 (EA2). Also called: ACETAZOLAMIDE-RESPONSIVE HEREDITARY PAROXYSMAL CEREBELLAR ATAXIA; ATAXIA, EPISODIC, WITH NYSTAGMUS; ATAXIA, FAMILIAL PAROXYSMAL; CEREBELLAR ATAXIA, PAROXYSMAL, ACETAZOLAMIDE-RESPONSIVE; CEREBELLOPATHY, HEREDITARY PAROXYSMAL; EPISODIC ATAXIA, NYSTAGMUS-ASSOCIATED. Identifiers: Orphanet 97, MedGen C1720416, MONDO:0007163, OMIM 108500.
Developmental and epileptic encephalopathy, 42 (DEE42A). Also called: DEVELOPMENTAL AND EPILEPTIC ENCEPHALOPATHY 42A; EPILEPTIC ENCEPHALOPATHY, EARLY INFANTILE, 42A; Epileptic encephalopathy, early infantile, 42. Identifiers: MedGen C4310716, MONDO:0014917, OMIM 617106.

Allele frequency attached by ClinVar (database versions not stated): ExAC below 0.00001; TOPMed 0.00004.
gnomAD v4.1: 17 of 1,537,206 alleles (0.0011%); highest among the groups gnomAD compares: Admixed American, 0.014%; no homozygotes.

Submissions (3):

Women's Health and Genetics/Laboratory Corporation of America, LabCorp
Classification: Uncertain significance. Last evaluated: 2025-12-22. Review status: criteria provided, single submitter. Criteria: LabCorp Variant Classification Summary - May 2015. Collection method: clinical testing. Allele origin: germline.
Comment: Variant summary: CACNA1A c.6616C>G (p.Arg2206Gly) results in a non-conservative amino acid change in the encoded protein sequence. Algorithms developed to predict the effect of missense changes on protein structure and function all suggest that this variant is likely to be disruptive. The variant allele was found at a frequency of 6.4e-05 in 140808 control chromosomes (gnomAD v2). The available data on variant occurrences in the general population are insufficient to allow any conclusion about variant significance. To our knowledge, no occurrence of c.6616C>G in individuals affected with CACNA1A-related conditions and no experimental evidence demonstrating its impact on protein function have been reported. ClinVar contains an entry for this variant (Variation ID: 841519). Based on the evidence outlined above, the variant was classified as VUS-possibly benign.

Labcorp Genetics (formerly Invitae), Labcorp
Classification: Likely benign for Developmental and epileptic encephalopathy, 42; Episodic ataxia type 2. Last evaluated: 2025-07-10. Review status: criteria provided, single submitter. Criteria: Invitae Variant Classification Sherloc (09022015). Collection method: clinical testing. Allele origin: germline.

GeneDx
Classification: Uncertain significance. Last evaluated: 2023-02-03. Review status: criteria provided, single submitter. Criteria: GeneDx Variant Classification Process June 2021. Collection method: clinical testing. Allele origin: germline. Affected: yes.
Comment: In silico analysis supports that this missense variant has a deleterious effect on protein structure/function; This variant is associated with the following publications: (PMID: 17119788)